The following is an entry in ClinVar:

ClinVar aggregate classification (germline): Benign. Review status: criteria provided, multiple submitters, no conflicts (2 of 4 stars). 2 submissions from 2 submitters: Benign (2). Last evaluated 2013-08-29.

Allele frequency attached by ClinVar (database versions not stated): ESP Exome Variant Server 0.12417; gnomAD 0.14904; TOPMed 0.15064; ExAC 0.18510; 1000 Genomes Project 30x 0.22673; 1000 Genomes Project 0.23043.

Submissions (2):

GeneDx
Classification: Benign. Last evaluated: 2013-08-29. Review status: criteria provided, single submitter. Criteria: GeneDx Variant Classification (06012015). Collection method: clinical testing. Allele origin: germline. Affected: yes.
Comment: This variant is considered likely benign or benign based on one or more of the following criteria: it is a conservative change, it occurs at a poorly conserved position in the protein, it is predicted to be benign by multiple in silico algorithms, and/or has population frequency not consistent with disease.

Breakthrough Genomics
Classification: Benign. Review status: criteria provided, single submitter. Criteria: ACMG Guidelines, 2015. Collection method: not provided. Allele origin: germline. Inheritance: Unknown mechanism. Affected: yes.

NM_000692.5(ALDH1B1):c.257C>T (p.Ala86Val)

Gene: ALDH1B1 (aldehyde dehydrogenase 1 family member B1; plus strand). Cytogenetic location: 9p13.1.
Variant type: single nucleotide variant.
Coding change: c.257C>T on transcript NM_000692.5 (MANE Select); coding-DNA position 257, C replaced by T.
Protein change: p.Ala86Val; replaces alanine 86 with valine.
Molecular consequence: missense variant.
Genome position (GRCh38, 1-based): chr9:38,396,005, C>T. VCF-style: chr9-38396005-C-T. GRCh37 (hg19) VCF-style: chr9-38396002-C-T.
Other names: p.A86V:GCC>GTC; short protein forms A86V.
Identifiers: ClinVar variation 136361 (VCV000136361.2), dbSNP rs2228093, ClinGen allele CA289390.